The following is an entry in ClinVar:

ClinVar aggregate classification (germline): Conflicting classifications of pathogenicity. Review status: criteria provided, conflicting classifications (1 of 4 stars). 8 submissions from 8 submitters: Uncertain significance (7); Likely benign (1). Last evaluated 2026-06-16.

Conditions:
Classic or attenuated familial adenomatous polyposis. Identifiers: MedGen CN372698, MONDO:0021057.
Hereditary cancer-predisposing syndrome. Also called: Tumor predisposition; Neoplastic Syndromes, Hereditary; Hereditary Cancer Syndrome; Hereditary neoplastic syndrome. Identifiers: Orphanet 140162, MedGen C0027672, MeSH D009386, MONDO:0015356.
Familial adenomatous polyposis 1 (FAP1). Also called: POLYPOSIS, ADENOMATOUS INTESTINAL; FAMILIAL ADENOMATOUS POLYPOSIS 1, ATTENUATED. Identifiers: MedGen C2713442, MONDO:0021056, OMIM 175100. Disease mechanism: loss of function.

Allele frequency attached by ClinVar (database versions not stated): gnomAD exomes below 0.00001 and 0.00001; TOPMed below 0.00001.
gnomAD v4.1: 4 of 1,613,908 alleles (0.00025%); highest among the groups gnomAD compares: East Asian, 0.0022%; no homozygotes.

Submissions (8):

Ambry Genetics
Classification: Likely benign for Hereditary cancer-predisposing syndrome. Last evaluated: 2026-06-16. Review status: criteria provided, single submitter. Criteria: Ambry Variant Classification Scheme 2023. Collection method: clinical testing. Allele origin: germline.

Labcorp Genetics (formerly Invitae), Labcorp
Classification: Uncertain significance for Familial adenomatous polyposis 1. Last evaluated: 2026-01-27. Review status: criteria provided, single submitter. Criteria: Invitae Variant Classification Sherloc (09022015). Collection method: clinical testing. Allele origin: germline.
Comment: This sequence change replaces proline, which is neutral and non-polar, with leucine, which is neutral and non-polar, at codon 2320 of the APC protein (p.Pro2320Leu). This variant is present in population databases (no rsID available, gnomAD 0.006%). This variant has not been reported in the literature in individuals affected with APC-related conditions. ClinVar contains an entry for this variant (Variation ID: 216176). Invitae Evidence Modeling of protein sequence and biophysical properties (such as structural, functional, and spatial information, amino acid conservation, physicochemical variation, residue mobility, and thermodynamic stability) indicates that this missense variant is not expected to disrupt APC protein function with a negative predictive value of 95%. In summary, the available evidence is currently insufficient to determine the role of this variant in disease. Therefore, it has been classified as a Variant of Uncertain Significance.

Quest Diagnostics Nichols Institute San Juan Capistrano
Classification: Uncertain significance. Last evaluated: 2025-05-14. Review status: criteria provided, single submitter. Criteria: Quest Diagnostics criteria. Collection method: clinical testing. Allele origin: unknown.
Comment: The APC c.6959C>T (p.Pro2320Leu) variant has been reported in the published literature in an individual with breast cancer (PMID: 34326862 (2021)). The frequency of this variant in the general population (Genome Aggregation Database) is uninformative in the assessment of its pathogenicity. Analysis of this variant using bioinformatics tools for the prediction of the effect of amino acid changes on protein structure and function yielded predictions that this variant is damaging. Based on the available information, we are unable to determine the clinical significance of this variant.

Department of Pathology and Laboratory Medicine, Sinai Health System
Classification: Uncertain significance for classic or attenuated familial adenomatous polyposis. Last evaluated: 2024-11-07. Review status: criteria provided, single submitter. Criteria: ACMG Guidelines, 2015. Collection method: clinical testing. Allele origin: germline.

All of Us Research Program, National Institutes of Health
Classification: Uncertain significance for Classic or attenuated familial adenomatous polyposis. Last evaluated: 2024-08-06. Review status: criteria provided, single submitter. Criteria: ACMG Guidelines, 2015. Collection method: clinical testing. Allele origin: germline. Inheritance: Autosomal dominant inheritance. Observed: 5 variant alleles, 5 heterozygotes.
Comment: This missense variant replaces proline with leucine at codon 2320 of the APC protein. Computational prediction suggests that this variant may not impact protein structure and function (internally defined REVEL score threshold <= 0.5, PMID: 27666373). To our knowledge, functional studies have not been reported for this variant. This variant has not been reported in individuals affected with APC-related disorders in the literature. This variant has been identified in 2/250854 chromosomes in the general population by the Genome Aggregation Database (gnomAD). The available evidence is insufficient to determine the role of this variant in disease conclusively. Therefore, this variant is classified as a Variant of Uncertain Significance.

This study involves interpretation of variants in research participants for the purpose of population health screening. Participant phenotype was not available at the time of variant classification. Additional details can be found in publication PMID: 35346344, PMCID: PMC8962531

Color Diagnostics, LLC DBA Color Health
Classification: Uncertain significance for Hereditary cancer-predisposing syndrome. Last evaluated: 2024-03-06. Review status: criteria provided, single submitter. Criteria: ACMG Guidelines, 2015. Collection method: clinical testing. Allele origin: germline.
Comment: This missense variant replaces proline with leucine at codon 2320 of the APC protein. Computational prediction suggests that this variant may not impact protein structure and function (internally defined REVEL score threshold <= 0.5, PMID: 27666373). To our knowledge, functional studies have not been reported for this variant. This variant has not been reported in individuals affected with APC-related disorders in the literature. This variant has been identified in 2/250854 chromosomes in the general population by the Genome Aggregation Database (gnomAD). The available evidence is insufficient to determine the role of this variant in disease conclusively. Therefore, this variant is classified as a Variant of Uncertain Significance.

Baylor Genetics
Classification: Uncertain significance for Familial adenomatous polyposis 1. Last evaluated: 2023-08-09. Review status: criteria provided, single submitter. Criteria: ACMG Guidelines, 2015. Collection method: clinical testing. Allele origin: unknown.

GeneDx
Classification: Uncertain significance. Last evaluated: 2023-01-06. Review status: criteria provided, single submitter. Criteria: GeneDx Variant Classification Process June 2021. Collection method: clinical testing. Allele origin: germline. Affected: yes.
Comment: Not observed at significant frequency in large population cohorts (gnomAD); In silico analysis supports that this missense variant has a deleterious effect on protein structure/function; Has not been previously published as pathogenic or benign to our knowledge

Literature cited by the submitters: PubMed 34326862 (cited by Quest Diagnostics Nichols Institute San Juan Capistrano).

NM_000038.6(APC):c.6959C>T (p.Pro2320Leu)

Gene: APC (APC regulator of Wnt signaling pathway; plus strand). Cytogenetic location: 5q22.2.
Variant type: single nucleotide variant.
Coding change: c.6959C>T on transcript NM_000038.6 (MANE Select); coding-DNA position 6959, C replaced by T.
Protein change: p.Pro2320Leu; replaces proline 2320 with leucine.
Molecular consequence: missense variant.
Genome position (GRCh38, 1-based): chr5:112,842,553, C>T. VCF-style: chr5-112842553-C-T. GRCh37 (hg19) VCF-style: chr5-112178250-C-T.
Other names: c.6959C>T, p.Pro2320Leu (NM_001127510.3, NM_001354895.2); c.6905C>T, p.Pro2302Leu (NM_001127511.3); c.7013C>T, p.Pro2338Leu (NM_001354896.2); c.6989C>T, p.Pro2330Leu (NM_001354897.2); c.6884C>T, p.Pro2295Leu (NM_001354898.2); c.6875C>T, p.Pro2292Leu (NM_001354899.2); c.6836C>T, p.Pro2279Leu (NM_001354900.2); c.6782C>T, p.Pro2261Leu (NM_001354901.2); and 5 more; short protein forms P2302L, P2320L, P2037L, P2261L, P2330L, P2292L, P2338L, P2160L.
Identifiers: ClinVar variation 216176 (VCV000216176.33), dbSNP rs863224548, ClinGen allele CA339178.